The following is an entry in ClinVar:

ClinVar aggregate classification (germline): Uncertain significance (1 of 4 stars; one submission).

Conditions:
Tuberous sclerosis 2 (TSC2). Identifiers: Orphanet 805, MedGen C1860707, MONDO:0013199, OMIM 613254.

Allele frequency attached by ClinVar (database versions not stated): gnomAD exomes below 0.00001.
gnomAD v4.1: 1 of 1,613,794 alleles (0.000062%); highest among the groups gnomAD compares: Non-Finnish European, 0.000085%; no homozygotes.

Submission:

Labcorp Genetics (formerly Invitae), Labcorp
Classification: Uncertain significance for Tuberous sclerosis 2. Last evaluated: 2026-02-02. Review status: criteria provided, single submitter. Criteria: Invitae Variant Classification Sherloc (09022015). Collection method: clinical testing. Allele origin: germline.
Comment: This sequence change replaces phenylalanine, which is neutral and non-polar, with serine, which is neutral and polar, at codon 904 of the TSC2 protein (p.Phe904Ser). This variant is not present in population databases (gnomAD no frequency). This variant has not been reported in the literature in individuals affected with TSC2-related conditions. ClinVar contains an entry for this variant (Variation ID: 943498). Invitae Evidence Modeling of protein sequence and biophysical properties (such as structural, functional, and spatial information, amino acid conservation, physicochemical variation, residue mobility, and thermodynamic stability) indicates that this missense variant is not expected to disrupt TSC2 protein function with a negative predictive value of 95%. In summary, the available evidence is currently insufficient to determine the role of this variant in disease. Therefore, it has been classified as a Variant of Uncertain Significance.

NM_000548.5(TSC2):c.2711T>C (p.Phe904Ser)

Gene: TSC2 (TSC complex subunit 2; plus strand). Cytogenetic location: 16p13.3.
Variant type: single nucleotide variant.
Coding change: c.2711T>C on transcript NM_000548.5 (MANE Select); coding-DNA position 2711, T replaced by C.
Protein change: p.Phe904Ser; replaces phenylalanine 904 with serine.
Molecular consequence: missense variant.
Genome position (GRCh38, 1-based): chr16:2,076,139, T>C. VCF-style: chr16-2076139-T-C. GRCh37 (hg19) VCF-style: chr16-2126140-T-C.
Other names: c.2711T>C, p.Phe904Ser (NM_001363528.2, NM_001370404.1, NM_001370405.1 and 3 more transcripts); c.2600T>C, p.Phe867Ser (NM_001318827.2); c.2564T>C, p.Phe855Ser (NM_001318829.2); c.2111T>C, p.Phe704Ser (NM_001318831.2); c.2744T>C, p.Phe915Ser (NM_001318832.2); short protein forms F904S, F704S, F915S, F855S, F867S.
Identifiers: ClinVar variation 943498 (VCV000943498.9), dbSNP rs2089325564, ClinGen allele CA394279482.